The following is an entry in ClinVar:

ClinVar aggregate classification (germline): Benign/Likely benign. Review status: criteria provided, multiple submitters, no conflicts (2 of 4 stars). 3 submissions from 3 submitters: Benign (1); Likely benign (2). Last evaluated 2025-09-03.

Conditions:
Familial melanoma. Also called: Hereditary melanoma; Hereditary cutaneous melanoma. Identifiers: Orphanet 618, MedGen C1512419, MONDO:0018961.
Melanoma, cutaneous malignant, susceptibility to, 3. Also called: Cutaneous malignant melanoma 3. Identifiers: Orphanet 618, MedGen C1836892, MONDO:0012183, OMIM 609048.

Submissions (3):

Labcorp Genetics (formerly Invitae), Labcorp
Classification: Likely benign for Familial melanoma. Last evaluated: 2025-09-03. Review status: criteria provided, single submitter. Criteria: Invitae Variant Classification Sherloc (09022015). Collection method: clinical testing. Allele origin: germline.

Myriad Genetics, Inc.
Classification: Benign for Melanoma, cutaneous malignant, susceptibility to, 3. Last evaluated: 2024-09-26. Review status: criteria provided, single submitter. Criteria: Myriad Autosomal Dominant, Autosomal Recessive and X-Linked Classification Criteria (2023). Collection method: clinical testing. Allele origin: unknown.
Comment: This variant is considered benign. This variant is a silent/synonymous amino acid change and it is not expected to impact splicing.

Women's Health and Genetics/Laboratory Corporation of America, LabCorp
Classification: Likely benign. Last evaluated: 2021-09-16. Review status: criteria provided, single submitter. Criteria: LabCorp Variant Classification Summary - May 2015. Collection method: clinical testing. Allele origin: germline.
Comment: Variant summary: CDK4 c.639C>A alters a conserved nucleotide resulting in a synonymous change. 4/4 computational tools predict no significant impact on normal splicing. However, these predictions have yet to be confirmed by functional studies. The variant was absent in 251454 control chromosomes. The available data on variant occurrences in the general population are insufficient to allow any conclusion about variant significance. To our knowledge, no occurrence of c.639C>A in individuals affected with Cutaneous Malignant Melanoma and no experimental evidence demonstrating its impact on protein function have been reported. No clinical diagnostic laboratories have submitted clinical-significance assessments for this variant to ClinVar after 2014. Based on the evidence outlined above, the variant was classified as likely benign.

NM_000075.4(CDK4):c.639C>A (p.Leu213=)

Genes: TSPAN31 (tetraspanin 31; plus strand), CDK4 (cyclin dependent kinase 4; minus strand). Cytogenetic location: 12q14.1.
Variant type: single nucleotide variant.
Coding change: c.639C>A on transcript NM_000075.4 (MANE Select); coding-DNA position 639, C replaced by A.
Protein change: p.Leu213=; no amino-acid change (leucine 213 retained).
Molecular consequence: synonymous variant. On other transcripts: 3 prime UTR variant (3).
Genome position (GRCh38, 1-based): chr12:57,749,498, G>T on the plus strand (C>A on the coding strand, the complement: CDK4 is on the minus strand). VCF-style: chr12-57749498-G-T. GRCh37 (hg19) VCF-style: chr12-58143281-G-T.
Other names: c.*2208G>T (NM_001330168.2, NM_001330169.2, NM_005981.5).
Identifiers: ClinVar variation 1301395 (VCV001301395.4), dbSNP rs2140383965, ClinGen allele CA385544263.
Genomic context (GRCh38, chr12:57,749,498, plus strand): 5'-CATGTTGGTCACTTACTCAAAGATTTTGCCCAACTGGTCGGCTTCAGAGTTTCCACAGAA[G>T]AGAGGCCTAAGGTGAGAAGGGATATAAGGTAGCAGTCATTTTCAAAGATATCTTAGTTGA-3'
Protein context (NP_000066.1, residues 203-223): IFAEMFRRKP[Leu213=]FCGNSEADQL